The following is an entry in ClinVar:

NM_001003800.2(BICD2):c.2321A>G (p.Glu774Gly)

Gene: BICD2 (BICD cargo adaptor 2; minus strand). Cytogenetic location: 9q22.31.
Variant type: single nucleotide variant.
Coding change: c.2321A>G on transcript NM_001003800.2 (MANE Select); coding-DNA position 2321, A replaced by G.
Protein change: p.Glu774Gly; replaces glutamic acid 774 with glycine.
Molecular consequence: missense variant.
Genome position (GRCh38, 1-based): chr9:92,715,401, T>C on the plus strand (A>G on the coding strand, the complement: BICD2 is on the minus strand). VCF-style: chr9-92715401-T-C. GRCh37 (hg19) VCF-style: chr9-95477683-T-C.
Other names: c.2321A>G, p.Glu774Gly (NM_015250.4); short protein forms E774G.
Identifiers: ClinVar variation 55860 (VCV000055860.4), dbSNP rs398123030, ClinGen allele CA143970.
Genomic context (GRCh38, chr9:92,715,401, plus strand): 5'-TGGGTCAGCGCCAGCTTCTGCTGGATGGCCATGCGCAGCAGCGAGTTCAGCGTCTTCTTC[T>C]CGTCCTCAGCAGCCGCCAGCTGCCGCTGCATCTCATCCAGCTGTGTAATGTACTCGTCAC-3'
Protein context (NP_001003800.1, residues 764-784): MQRQLAAAED[Glu774Gly]KKTLNSLLRM

ClinVar aggregate classification (germline): Pathogenic. Review status: criteria provided, single submitter (1 of 4 stars). 3 submissions from 3 submitters: Pathogenic (1). 2 of the submissions do not count toward it. Last evaluated 2025-06-20.

Conditions:
Autosomal dominant childhood-onset proximal spinal muscular atrophy with contractures (SMALED2A). Also called: SPINAL MUSCULAR ATROPHY, LOWER EXTREMITY-PREDOMINANT, 2A, CHILDHOOD ONSET, AUTOSOMAL DOMINANT; Spinal muscular atrophy, lower extremity-predominant, 2A, autosomal dominant. Identifiers: Orphanet 363447, Orphanet 363454, MedGen C4747715, MONDO:0014121, OMIM 615290.

Submissions (3):

GeneDx
Classification: Pathogenic. Last evaluated: 2025-06-20. Review status: criteria provided, single submitter. Criteria: GeneDx Variant Classification Process June 2021. Collection method: clinical testing. Allele origin: germline. Affected: yes.
Comment: Published functional studies demonstrate a damaging effect (PMID: 23664119); In silico analysis supports that this missense variant has a deleterious effect on protein structure/function; Not observed at significant frequency in large population cohorts (gnomAD); This variant is associated with the following publications: (PMID: 33057194, 35982159, 25497877, 23664119)

Inherited Neuropathy Consortium Ii, University Of Miami
Classification: Uncertain significance for Autosomal dominant childhood-onset proximal spinal muscular atrophy with contractures. Last evaluated: 2016-01-06. Review status: no assertion criteria provided. Collection method: literature only. Allele origin: germline. Affected: yes. Not counted in ClinVar's aggregate classification.

OMIM
Classification: Pathogenic for SPINAL MUSCULAR ATROPHY, LOWER EXTREMITY-PREDOMINANT, 2A, CHILDHOOD ONSET, AUTOSOMAL DOMINANT. Last evaluated: 2013-06-06. Review status: no assertion criteria provided. Collection method: literature only. Allele origin: germline. Not counted in ClinVar's aggregate classification.

Literature cited by the submitters: PubMed 11241493 (cited by Inherited Neuropathy Consortium Ii, University Of Miami); PubMed 23664119 (cited by OMIM).